The following is an entry in ClinVar:

ClinVar aggregate classification (germline): Uncertain significance. Review status: criteria provided, multiple submitters, no conflicts (2 of 4 stars). 3 submissions from 3 submitters: Uncertain significance (3). Last evaluated 2025-12-21.

Conditions:
Peutz-Jeghers syndrome (PJS). Also called: POLYPOSIS, HAMARTOMATOUS INTESTINAL; POLYPS-AND-SPOTS SYNDROME; Peutz-Jeghers polyposis; Periorificial lentiginosis syndrome. Identifiers: Orphanet 2869, MedGen C0031269, MeSH D010580, MONDO:0008280, OMIM 175200.
Hereditary cancer-predisposing syndrome. Also called: Neoplastic Syndromes, Hereditary; Tumor predisposition; Hereditary Cancer Syndrome; Hereditary neoplastic syndrome. Identifiers: Orphanet 140162, MedGen C0027672, MeSH D009386, MONDO:0015356.

Allele frequency attached by ClinVar (database versions not stated): ExAC 0.00002.

Submissions (3):

Labcorp Genetics (formerly Invitae), Labcorp
Classification: Uncertain significance for Peutz-Jeghers syndrome. Last evaluated: 2025-12-21. Review status: criteria provided, single submitter. Criteria: Invitae Variant Classification Sherloc (09022015). Collection method: clinical testing. Allele origin: germline.
Comment: This sequence change replaces valine, which is neutral and non-polar, with leucine, which is neutral and non-polar, at codon 143 of the STK11 protein (p.Val143Leu). This variant is present in population databases (rs779987540, gnomAD 0.001%). This variant has not been reported in the literature in individuals affected with STK11-related conditions. ClinVar contains an entry for this variant (Variation ID: 1739339). Invitae Evidence Modeling of protein sequence and biophysical properties (such as structural, functional, and spatial information, amino acid conservation, physicochemical variation, residue mobility, and thermodynamic stability) has been performed for this missense variant. However, the output from this modeling did not meet the statistical confidence thresholds required to predict the impact of this variant on STK11 protein function. In summary, the available evidence is currently insufficient to determine the role of this variant in disease. Therefore, it has been classified as a Variant of Uncertain Significance.

Color Diagnostics, LLC DBA Color Health
Classification: Uncertain significance for Hereditary cancer-predisposing syndrome. Last evaluated: 2025-12-15. Review status: criteria provided, single submitter. Criteria: ACMG Guidelines, 2015. Collection method: clinical testing. Allele origin: germline.
Comment: This missense variant replaces valine with leucine at codon 143 of the STK11 protein. Computational prediction suggests that this variant may not impact protein structure and function. To our knowledge, functional studies have not been reported for this variant. This variant has not been reported in individuals affected with STK11-related disorders in the literature. This variant has not been identified in the general population by the Genome Aggregation Database (gnomAD). The available evidence is insufficient to determine the role of this variant in disease conclusively. Therefore, this variant is classified as a Variant of Uncertain Significance.

Ambry Genetics
Classification: Uncertain significance for Hereditary cancer-predisposing syndrome. Last evaluated: 2023-09-18. Review status: criteria provided, single submitter. Criteria: Ambry Variant Classification Scheme 2023. Collection method: clinical testing. Allele origin: germline.
Comment: The p.V143L variant (also known as c.427G>C), located in coding exon 3 of the STK11 gene, results from a G to C substitution at nucleotide position 427. The valine at codon 143 is replaced by leucine, an amino acid with highly similar properties. This amino acid position is highly conserved in available vertebrate species. In addition, the in silico prediction for this alteration is inconclusive. Since supporting evidence is limited at this time, the clinical significance of this alteration remains unclear.

NM_000455.5(STK11):c.427G>C (p.Val143Leu)

Gene: STK11 (serine/threonine kinase 11; plus strand). Cytogenetic location: 19p13.3.
Variant type: single nucleotide variant.
Coding change: c.427G>C on transcript NM_000455.5 (MANE Select); coding-DNA position 427, G replaced by C.
Protein change: p.Val143Leu; replaces valine 143 with leucine.
Molecular consequence: missense variant.
Genome position (GRCh38, 1-based): chr19:1,219,376, G>C. VCF-style: chr19-1219376-G-C. GRCh37 (hg19) VCF-style: chr19-1219375-G-C.
Other names: c.427G>C, p.Val143Leu (NM_001407255.1); short protein forms V143L.
Identifiers: ClinVar variation 1739339 (VCV001739339.6), dbSNP rs779987540, ClinGen allele CA047558.